The following is an entry in ClinVar:

NM_000352.6(ABCC8):c.4532T>A (p.Ile1511Asn)

Gene: ABCC8 (ATP binding cassette subfamily C member 8; minus strand). Cytogenetic location: 11p15.1.
Variant type: single nucleotide variant.
Coding change: c.4532T>A on transcript NM_000352.6 (MANE Select); coding-DNA position 4532, T replaced by A.
Protein change: p.Ile1511Asn; replaces isoleucine 1511 with asparagine.
Molecular consequence: missense variant. On other transcripts: non-coding transcript variant (1).
Genome position (GRCh38, 1-based): chr11:17,394,279, A>T on the plus strand (T>A on the coding strand, the complement: ABCC8 is on the minus strand). VCF-style: chr11-17394279-A-T. GRCh37 (hg19) VCF-style: chr11-17415826-A-T.
Other names: c.4535T>A, p.Ile1512Asn (NM_001287174.3); c.4598T>A, p.Ile1533Asn (NM_001351295.2); c.4532T>A, p.Ile1511Asn (NM_001351296.2); c.4529T>A, p.Ile1510Asn (NM_001351297.2); short protein forms I1512N, I1533N, I1510N, I1511N.
Identifiers: ClinVar variation 1346183 (VCV001346183.6), dbSNP rs2133394768, ClinGen allele CA379782755.

ClinVar aggregate classification (germline): Pathogenic (1 of 4 stars; one submission).

Submission:

Labcorp Genetics (formerly Invitae), Labcorp
Classification: Pathogenic. Last evaluated: 2023-09-12. Review status: criteria provided, single submitter. Criteria: Invitae Variant Classification Sherloc (09022015). Collection method: clinical testing. Allele origin: germline.
Comment: This variant disrupts the p.Ile1511 amino acid residue in ABCC8. Other variant(s) that disrupt this residue have been determined to be pathogenic (PMID: 18596924). This suggests that this residue is clinically significant, and that variants that disrupt this residue are likely to be disease-causing. For these reasons, this variant has been classified as Pathogenic. Advanced modeling of protein sequence and biophysical properties (such as structural, functional, and spatial information, amino acid conservation, physicochemical variation, residue mobility, and thermodynamic stability) performed at Invitae indicates that this missense variant is expected to disrupt ABCC8 protein function. ClinVar contains an entry for this variant (Variation ID: 1346183). This missense change has been observed in individual(s) with autosomal dominant hyperinsulinism (Invitae). In at least one individual the variant was observed to be de novo. This variant is not present in population databases (gnomAD no frequency). This sequence change replaces isoleucine, which is neutral and non-polar, with asparagine, which is neutral and polar, at codon 1511 of the ABCC8 protein (p.Ile1511Asn).

Literature cited by the submitters: PubMed 18596924.